The following is an entry in ClinVar:

NM_182914.3(SYNE2):c.9508T>C (p.Ser3170Pro)

Gene: SYNE2 (spectrin repeat containing nuclear envelope protein 2; plus strand). Cytogenetic location: 14q23.2.
Variant type: single nucleotide variant.
Coding change: c.9508T>C on transcript NM_182914.3 (MANE Select); coding-DNA position 9508, T replaced by C.
Protein change: p.Ser3170Pro; replaces serine 3170 with proline.
Molecular consequence: missense variant.
Genome position (GRCh38, 1-based): chr14:64,053,421, T>C. VCF-style: chr14-64053421-T-C. GRCh37 (hg19) VCF-style: chr14-64520139-T-C.
Other names: c.9508T>C, p.Ser3170Pro (NM_015180.6); short protein forms S3170P.
Identifiers: ClinVar variation 3021086 (VCV003021086.3), dbSNP rs1173807996, ClinGen allele CA389980166.

ClinVar aggregate classification (germline): Uncertain significance (1 of 4 stars; one submission).

Conditions:
Emery-Dreifuss muscular dystrophy 5, autosomal dominant (EDMD5). Also called: EMERY-DREIFUSS MUSCULAR DYSTROPHY 5. Identifiers: Orphanet 261, MedGen C2751805, MONDO:0013072, OMIM 612999.

Allele frequency attached by ClinVar (database versions not stated): gnomAD exomes below 0.00001; gnomAD 0.00001; TOPMed 0.00001.
gnomAD v4.1: 2 of 1,612,818 alleles (0.00012%); highest among the groups gnomAD compares: Admixed American, 0.0017%; no homozygotes.

Submission:

Labcorp Genetics (formerly Invitae), Labcorp
Classification: Uncertain significance for Emery-Dreifuss muscular dystrophy 5, autosomal dominant. Last evaluated: 2025-02-24. Review status: criteria provided, single submitter. Criteria: Invitae Variant Classification Sherloc (09022015). Collection method: clinical testing. Allele origin: germline.
Comment: This sequence change replaces serine, which is neutral and polar, with proline, which is neutral and non-polar, at codon 3170 of the SYNE2 protein (p.Ser3170Pro). This variant is not present in population databases (gnomAD no frequency). This variant has not been reported in the literature in individuals affected with SYNE2-related conditions. ClinVar contains an entry for this variant (Variation ID: 3021086). An algorithm developed to predict the effect of missense changes on protein structure and function (PolyPhen-2) suggests that this variant is likely to be disruptive. In summary, the available evidence is currently insufficient to determine the role of this variant in disease. Therefore, it has been classified as a Variant of Uncertain Significance.